The following is an entry in ClinVar:

ClinVar aggregate classification (germline): Uncertain significance (1 of 4 stars; one submission).

Conditions:
Familial hypocalciuric hypercalcemia (FHH). Also called: Familial benign hypercalcemia. Identifiers: Orphanet 405, MedGen C1809471, MONDO:0018458.
Autosomal dominant hypocalcemia 1 (HYPOC1). Also called: HYPOCALCEMIA, FAMILIAL. Identifiers: MedGen C3715128, MONDO:0011013, OMIM 601198.

Submission:

Labcorp Genetics (formerly Invitae), Labcorp
Classification: Uncertain significance for Familial hypocalciuric hypercalcemia; Autosomal dominant hypocalcemia 1. Last evaluated: 2020-03-17. Review status: criteria provided, single submitter. Criteria: Invitae Variant Classification Sherloc (09022015). Collection method: clinical testing. Allele origin: germline.
Comment: This variant has not been reported in the literature in individuals with CASR-related conditions. This variant is not present in population databases (ExAC no frequency). This sequence change replaces threonine with isoleucine at codon 372 of the CASR protein (p.Thr372Ile). The threonine residue is moderately conserved and there is a moderate physicochemical difference between threonine and isoleucine. Algorithms developed to predict the effect of missense changes on protein structure and function are either unavailable or do not agree on the potential impact of this missense change (SIFT: "Deleterious"; PolyPhen-2: "Benign"; Align-GVGD: "Class C0"). In summary, the available evidence is currently insufficient to determine the role of this variant in disease. Therefore, it has been classified as a Variant of Uncertain Significance.

NM_000388.4(CASR):c.1115C>T (p.Thr372Ile)

Gene: CASR (calcium sensing receptor; plus strand). Cytogenetic location: 3q21.1.
Variant type: single nucleotide variant.
Coding change: c.1115C>T on transcript NM_000388.4 (MANE Select); coding-DNA position 1115, C replaced by T.
Protein change: p.Thr372Ile; replaces threonine 372 with isoleucine.
Molecular consequence: missense variant.
Genome position (GRCh38, 1-based): chr3:122,262,150, C>T. VCF-style: chr3-122262150-C-T. GRCh37 (hg19) VCF-style: chr3-121980997-C-T.
Other names: c.1115C>T, p.Thr372Ile (NM_001178065.2); short protein forms T372I.
Identifiers: ClinVar variation 1035600 (VCV001035600.9), dbSNP rs2074634402, ClinGen allele CA354152620.